The following is an entry in ClinVar:

ClinVar aggregate classification (germline): Likely benign (1 of 4 stars; one submission).

Allele frequency attached by ClinVar (database versions not stated): gnomAD 0.00002.
gnomAD v4.1: 8 of 1,613,976 alleles (0.0005%); highest among the groups gnomAD compares: African/African-American, 0.0027%; no homozygotes.

Submission:

CeGaT Center for Human Genetics Tuebingen
Classification: Likely benign. Last evaluated: 2023-01-01. Review status: criteria provided, single submitter. Criteria: CeGaT Center For Human Genetics Tuebingen Variant Classification Criteria Version 2. Collection method: clinical testing. Allele origin: germline. Affected: yes. Observed: 1 variant allele.
Comment: CDH20: BP4, BP7

NM_031891.4(CDH20):c.951T>C (p.Asp317=)

Gene: CDH20 (cadherin 20; plus strand). Cytogenetic location: 18q21.33.
Variant type: single nucleotide variant.
Coding change: c.951T>C on transcript NM_031891.4 (MANE Select); coding-DNA position 951, T replaced by C.
Protein change: p.Asp317=; no amino-acid change (aspartic acid 317 retained).
Molecular consequence: synonymous variant.
Genome position (GRCh38, 1-based): chr18:61,507,494, T>C. VCF-style: chr18-61507494-T-C. GRCh37 (hg19) VCF-style: chr18-59174727-T-C.
Identifiers: ClinVar variation 2648773 (VCV002648773.24), dbSNP rs1170742157, ClinGen allele CA504065276.